The following is an entry in ClinVar:

NM_014014.5(SNRNP200):c.4165-9G>A

Gene: SNRNP200 (small nuclear ribonucleoprotein U5 subunit 200; minus strand). Cytogenetic location: 2q11.2.
Variant type: single nucleotide variant.
Coding change: c.4165-9G>A on transcript NM_014014.5 (MANE Select); 9 bases into the intron before coding-DNA position 4165, G replaced by A.
Molecular consequence: intron variant.
Genome position (GRCh38, 1-based): chr2:96,284,594, C>T on the plus strand (G>A on the coding strand, the complement: SNRNP200 is on the minus strand). VCF-style: chr2-96284594-C-T. GRCh37 (hg19) VCF-style: chr2-96950332-C-T.
Identifiers: ClinVar variation 784575 (VCV000784575.12), dbSNP rs376605359, ClinGen allele CA1778261.

ClinVar aggregate classification (germline): Likely benign. Review status: criteria provided, multiple submitters, no conflicts (2 of 4 stars). 3 submissions from 3 submitters: Likely benign (3). Last evaluated 2026-08-01.

Conditions:
SNRNP200-related disorder. Also called: SNRNP200-related condition.

Allele frequency attached by ClinVar (database versions not stated): ExAC 0.00007; ESP Exome Variant Server 0.00008; TOPMed 0.00008; gnomAD exomes 0.00010 and 0.00030.
gnomAD v4.1: 437 of 1,602,044 alleles (0.027%); highest among the groups gnomAD compares: Non-Finnish European, 0.037%; 1 homozygote.

Submissions (3):

PreventionGenetics, part of Exact Sciences
Classification: Likely benign for SNRNP200-related condition. Last evaluated: 2026-08-01. Review status: criteria provided, single submitter. Criteria: ACMG Guidelines, 2015. Collection method: clinical testing. Allele origin: germline.
Comment: This variant is classified as likely benign based on ACMG/AMP sequence variant interpretation guidelines (Richards et al. 2015 PMID: 25741868, with internal and published modifications).

Labcorp Genetics (formerly Invitae), Labcorp
Classification: Likely benign. Last evaluated: 2025-07-27. Review status: criteria provided, single submitter. Criteria: Invitae Variant Classification Sherloc (09022015). Collection method: clinical testing. Allele origin: germline.

Blueprint Genetics
Classification: Likely benign. Last evaluated: 2024-08-19. Review status: criteria provided, single submitter. Criteria: ACMG Guidelines, 2015. Collection method: clinical testing. Allele origin: germline.